The following is an entry in ClinVar:

NM_001008537.3(NEXMIF):c.55C>G (p.Leu19Val)

Gene: NEXMIF (neurite extension and migration factor; minus strand). Cytogenetic location: Xq13.3.
Variant type: single nucleotide variant.
Coding change: c.55C>G on transcript NM_001008537.3 (MANE Select); coding-DNA position 55, C replaced by G.
Protein change: p.Leu19Val; replaces leucine 19 with valine.
Molecular consequence: missense variant.
Genome position (GRCh38, 1-based): chrX:74,745,596, G>C on the plus strand (C>G on the coding strand, the complement: NEXMIF is on the minus strand). VCF-style: chrX-74745596-G-C. GRCh37 (hg19) VCF-style: chrX-73965431-G-C.
Other names: short protein forms L19V.
Identifiers: ClinVar variation 942259 (VCV000942259.7), dbSNP rs1182566395, ClinGen allele CA413674543.

ClinVar aggregate classification (germline): Uncertain significance (1 of 4 stars; one submission).

Allele frequency attached by ClinVar (database versions not stated): gnomAD exomes 0.00002; TOPMed 0.00002; gnomAD 0.00004.
gnomAD v4.1: 28 of 1,195,933 alleles (0.0023%); highest among the groups gnomAD compares: Non-Finnish European, 0.0031%; no homozygotes.

Submission:

Labcorp Genetics (formerly Invitae), Labcorp
Classification: Uncertain significance. Last evaluated: 2025-04-18. Review status: criteria provided, single submitter. Criteria: Invitae Variant Classification Sherloc (09022015). Collection method: clinical testing. Allele origin: germline.
Comment: This sequence change replaces leucine, which is neutral and non-polar, with valine, which is neutral and non-polar, at codon 19 of the NEXMIF protein (p.Leu19Val). This variant is not present in population databases (gnomAD no frequency). This variant has not been reported in the literature in individuals affected with NEXMIF-related conditions. ClinVar contains an entry for this variant (Variation ID: 942259). An algorithm developed to predict the effect of missense changes on protein structure and function (PolyPhen-2) suggests that this variant is likely to be tolerated. In summary, the available evidence is currently insufficient to determine the role of this variant in disease. Therefore, it has been classified as a Variant of Uncertain Significance.